The following is an entry in ClinVar:

NM_000282.4(PCCA):c.415-2A>C

Gene: PCCA (propionyl-CoA carboxylase subunit alpha; plus strand). Cytogenetic location: 13q32.3.
Variant type: single nucleotide variant.
Coding change: c.415-2A>C on transcript NM_000282.4 (MANE Select); the canonical splice acceptor site of the intron before coding-DNA position 415, A replaced by C.
Molecular consequence: splice acceptor variant.
Genome position (GRCh38, 1-based): chr13:100,157,285, A>C. VCF-style: chr13-100157285-A-C. GRCh37 (hg19) VCF-style: chr13-100809539-A-C.
Other names: c.-452-2A>C (NM_001352611.2, NM_001352612.2, NM_001352610.2); c.337-2A>C (NM_001127692.3, NM_001352607.2, NM_001352608.2); c.415-2A>C (NM_001352609.2, NM_001178004.2, NM_001352605.2 and 1 more transcripts).
Identifiers: ClinVar variation 632933 (VCV000632933.17), dbSNP rs746286209, ClinGen allele CA7033223.
Genomic context (GRCh38, chr13:100,157,285, plus strand): 5'-TTTGCTTATAAAGCTTTTGCAATATGATAAAATTGAAAGTGCTTTTTGCTTTCATTTCTA[A>C]GGTACATCCAGGTTATGGATTCCTTTCAGAAAACAAAGAATTTGCCAGATGTTTGGTAAG-3'

ClinVar aggregate classification (germline): Pathogenic. Review status: criteria provided, multiple submitters, no conflicts (2 of 4 stars). 5 submissions from 5 submitters: Pathogenic (5). Last evaluated 2025-07-27.

Conditions:
Propionic acidemia (PROP). Also called: GLYCINEMIA, KETOTIC; HYPERGLYCINEMIA WITH KETOACIDOSIS AND LEUKOPENIA; KETOTIC HYPERGLYCINEMIA. Identifiers: Orphanet 35, MedGen C0268579, MONDO:0011628, OMIM 606054, HP:0003571.

Allele frequency attached by ClinVar (database versions not stated): ExAC 0.00001; gnomAD exomes 0.00001.
gnomAD v4.1: 10 of 1,607,020 alleles (0.00062%); highest among the groups gnomAD compares: African/African-American, 0.0013%; no homozygotes.

Submissions (5):

Labcorp Genetics (formerly Invitae), Labcorp
Classification: Pathogenic for Propionic acidemia. Last evaluated: 2025-07-27. Review status: criteria provided, single submitter. Criteria: Invitae Variant Classification Sherloc (09022015). Collection method: clinical testing. Allele origin: germline.
Comment: This sequence change affects an acceptor splice site in intron 5 of the PCCA gene. It is expected to disrupt RNA splicing. Variants that disrupt the donor or acceptor splice site typically lead to a loss of protein function (PMID: 16199547), and loss-of-function variants in PCCA are known to be pathogenic (PMID: 15464417). This variant is present in population databases (rs746286209, gnomAD 0.005%). Disruption of this splice site has been observed in individual(s) with propionic acidemia (PMID: 22033733). ClinVar contains an entry for this variant (Variation ID: 632933). Algorithms developed to predict the effect of sequence changes on RNA splicing suggest that this variant may disrupt the consensus splice site. For these reasons, this variant has been classified as Pathogenic.

Natera, Inc.
Classification: Pathogenic for Propionic acidemia. Last evaluated: 2024-11-14. Review status: criteria provided, single submitter. Criteria: Natera Variant Classification Schema (03/2026). Collection method: clinical testing. Allele origin: germline.
Comment: The c.415-2A>C variant in PCCA is a canonical splice acceptor site variant predicted to affect pre-mRNA splicing, which may result in an abnormal transcript and altered protein product. This variant is expected to result in nonsense mediated decay, truncation, or a dysfunctional protein product. This variant is rare in the general population with a frequency below the threshold expected for the associated phenotype(s). This variant has been observed in one or more individuals affected with the associated recessive disease, as either homozygous or compound heterozygous with a second variant (PMID: 22033733). Given the available evidence, this variant is classified as Pathogenic.

Baylor Genetics
Classification: Pathogenic for Propionic acidemia. Last evaluated: 2024-03-18. Review status: criteria provided, single submitter. Criteria: ACMG Guidelines, 2015. Collection method: clinical testing. Allele origin: unknown.

Fulgent Genetics
Classification: Pathogenic for Propionic acidemia. Last evaluated: 2024-02-29. Review status: criteria provided, single submitter. Criteria: ACMG Guidelines, 2015. Collection method: clinical testing. Allele origin: germline.

Women's Health and Genetics/Laboratory Corporation of America, LabCorp
Classification: Pathogenic for Propionic acidemia. Last evaluated: 2022-02-25. Review status: criteria provided, single submitter. Criteria: LabCorp Variant Classification Summary - May 2015. Collection method: clinical testing. Allele origin: germline.
Comment: Variant summary: PCCA c.415-2A>C is located in a canonical splice-site and is predicted to affect mRNA splicing resulting in a significantly altered protein due to either exon skipping, shortening, or inclusion of intronic material. Several computational tools predict a significant impact on normal splicing: Four predict the variant abolishes a 3 acceptor site, with three of them also predicting it creates a new cryptic exonic one. The variant allele was found at a frequency of 8e-06 in 250414 control chromosomes (gnomAD). c.415-2A>C has been reported in the literature in compound heterozygosity with another pathogenic variant in at least one individual affected with Propionic Acidemia (e.g. Kraus_2012). This study also reported that the allele bearing c.415-2A>C is either not transcribed or the mRNA is degraded, and the authors measured approximately 2% of wild-type PCC activity in the patient's cells. No other clinical diagnostic laboratories have submitted clinical-significance assessments for this variant to ClinVar after 2014. Based on the evidence outlined above, the variant was classified as pathogenic.

Literature cited by the submitters: PubMed 16199547 (cited by Labcorp Genetics (formerly Invitae), Labcorp); PubMed 15464417 (cited by Labcorp Genetics (formerly Invitae), Labcorp); PubMed 22033733 (cited by 3 submitters); PubMed 29033250 (cited by Women's Health and Genetics/Laboratory Corporation of America, LabCorp).